The following is an entry in ClinVar:

NM_001128148.3(TFRC):c.1423C>T (p.His475Tyr)

Gene: TFRC (transferrin receptor; minus strand). Cytogenetic location: 3q29.
Variant type: single nucleotide variant.
Coding change: c.1423C>T on transcript NM_001128148.3 (MANE Select); coding-DNA position 1423, C replaced by T.
Protein change: p.His475Tyr; replaces histidine 475 with tyrosine.
Molecular consequence: missense variant.
Genome position (GRCh38, 1-based): chr3:196,062,627, G>A on the plus strand (C>T on the coding strand, the complement: TFRC is on the minus strand). VCF-style: chr3-196062627-G-A. GRCh37 (hg19) VCF-style: chr3-195789498-G-A.
Other names: c.1180C>T, p.His394Tyr (NM_001313965.2); c.577C>T, p.His193Tyr (NM_001313966.2); c.1423C>T, p.His475Tyr (NM_003234.4); short protein forms H394Y, H193Y, H475Y.
Identifiers: ClinVar variation 3667167 (VCV003667167.2).
Genomic context (GRCh38, chr3:196,062,627, plus strand): 5'-GAAAGGGATACTTACCAAGAACCGCTTTATCCAGATTAATATAAGTGAAAGCCTTTAAAT[G>A]CAGGGACGAAAGGTATCCCTAGAAGAGAAGGGAAAACACTAATAAGTATAAATCTGTTTA-3'
Protein context (NP_001121620.1, residues 465-485): EWLEGYLSSL[His475Tyr]LKAFTYINLD

ClinVar aggregate classification (germline): Uncertain significance (1 of 4 stars; one submission).

gnomAD v4.1: 5 of 1,609,606 alleles (0.00031%); highest among the groups gnomAD compares: Non-Finnish European, 0.00042%; no homozygotes.

Submission:

Labcorp Genetics (formerly Invitae), Labcorp
Classification: Uncertain significance. Last evaluated: 2024-10-02. Review status: criteria provided, single submitter. Criteria: Invitae Variant Classification Sherloc (09022015). Collection method: clinical testing. Allele origin: germline.
Comment: This sequence change replaces histidine, which is basic and polar, with tyrosine, which is neutral and polar, at codon 475 of the TFRC protein (p.His475Tyr). This variant is present in population databases (no rsID available, gnomAD 0.0009%). This variant has not been reported in the literature in individuals affected with TFRC-related conditions. Invitae Evidence Modeling of protein sequence and biophysical properties (such as structural, functional, and spatial information, amino acid conservation, physicochemical variation, residue mobility, and thermodynamic stability) indicates that this missense variant is expected to disrupt TFRC protein function with a positive predictive value of 80%. In summary, the available evidence is currently insufficient to determine the role of this variant in disease. Therefore, it has been classified as a Variant of Uncertain Significance.